The following is an entry in ClinVar:

NM_000059.4(BRCA2):c.10048C>G (p.Gln3350Glu)

Gene: BRCA2 (BRCA2 DNA repair associated; plus strand). Cytogenetic location: 13q13.1.
Variant type: single nucleotide variant.
Coding change: c.10048C>G on transcript NM_000059.4 (MANE Select); coding-DNA position 10048, C replaced by G.
Protein change: p.Gln3350Glu; replaces glutamine 3350 with glutamic acid.
Molecular consequence: missense variant. On other transcripts: non-coding transcript variant (1).
Genome position (GRCh38, 1-based): chr13:32,398,561, C>G. VCF-style: chr13-32398561-C-G. GRCh37 (hg19) VCF-style: chr13-32972698-C-G.
Other names: c.9952C>G, p.Gln3318Glu (NM_001406719.1); c.9997C>G, p.Gln3333Glu (NM_001406720.1); c.5116C>G, p.Gln1706Glu (NM_001406721.1); c.3631C>G, p.Gln1211Glu (NM_001406722.1); c.10048C>G, p.Gln3350Glu (NM_001432077.1); short protein forms Q1706E, Q3350E, Q3318E, Q1211E, Q3333E.
Identifiers: ClinVar variation 3636571 (VCV003636571.2).
Genomic context (GRCh38, chr13:32,398,561, plus strand): 5'-GAAATTTCTCTTTTGGAAAGTAATTCAATAGCTGACGAAGAACTTGCATTGATAAATACC[C>G]AAGCTCTTTTGTCTGGTTCAACAGGAGAAAAACAATTTATATCTGTCAGTGAATCCACTA-3'
Protein context (NP_000050.3, residues 3340-3360): ADEELALINT[Gln3350Glu]ALLSGSTGEK

ClinVar aggregate classification (germline): Uncertain significance (1 of 4 stars; one submission).

Conditions:
Hereditary breast ovarian cancer syndrome. Also called: Hereditary breast and ovarian cancer syndrome; Hereditary breast and ovarian cancer syndrome (HBOC); BRCA1- and BRCA2-Associated Hereditary Breast and Ovarian Cancer; Hereditary breast and ovarian cancer; Breast and ovarian cancer; Hereditary breast and/or ovarian cancer syndrome. Identifiers: Orphanet 145, MedGen C0677776, MeSH D061325, MONDO:0003582. Disease mechanism: loss of function.

Submission:

Labcorp Genetics (formerly Invitae), Labcorp
Classification: Uncertain significance for Hereditary breast ovarian cancer syndrome. Last evaluated: 2024-08-27. Review status: criteria provided, single submitter. Criteria: Invitae Variant Classification Sherloc (09022015). Collection method: clinical testing. Allele origin: germline.
Comment: This sequence change replaces glutamine, which is neutral and polar, with glutamic acid, which is acidic and polar, at codon 3350 of the BRCA2 protein (p.Gln3350Glu). This variant is not present in population databases (gnomAD no frequency). This variant has not been reported in the literature in individuals affected with BRCA2-related conditions. Invitae Evidence Modeling of protein sequence and biophysical properties (such as structural, functional, and spatial information, amino acid conservation, physicochemical variation, residue mobility, and thermodynamic stability) indicates that this missense variant is not expected to disrupt BRCA2 protein function with a negative predictive value of 95%. In summary, the available evidence is currently insufficient to determine the role of this variant in disease. Therefore, it has been classified as a Variant of Uncertain Significance.